The following is an entry in ClinVar:

ClinVar aggregate classification (germline): Conflicting classifications of pathogenicity. Review status: criteria provided, conflicting classifications (1 of 4 stars). 7 submissions from 7 submitters: Uncertain significance (2); Benign (1); Likely benign (3). 1 of the submissions does not count toward it. Last evaluated 2026-01-28.

Conditions:
Gorlin syndrome. Also called: Nevoid Basal Cell Carcinoma Syndrome; Basal cell nevus syndrome. Identifiers: Orphanet 377, MedGen C0004779, MONDO:0007187.
Medulloblastoma (MDB). Also called: MEDULLOBLASTOMA PREDISPOSITION SYNDROME; Medulloblastoma, somatic. Identifiers: Orphanet 616, MedGen C0025149, MeSH D008527, MONDO:0007959, OMIM 155255, HP:0002885.
Hereditary cancer-predisposing syndrome. Also called: Tumor predisposition; Hereditary neoplastic syndrome; Neoplastic Syndromes, Hereditary; Hereditary Cancer Syndrome. Identifiers: Orphanet 140162, MedGen C0027672, MeSH D009386, MONDO:0015356.

Allele frequency attached by ClinVar (database versions not stated): gnomAD exomes 0.00006 and 0.00008; ESP Exome Variant Server 0.00008; ExAC 0.00011; 1000 Genomes Project 30x 0.00016; 1000 Genomes Project 0.00020; gnomAD 0.00034 and 0.00039; TOPMed 0.00042.
gnomAD v4.1: 145 of 1,614,164 alleles (0.009%); highest among the groups gnomAD compares: African/African-American, 0.14%; no homozygotes.

Submissions (7):

Labcorp Genetics (formerly Invitae), Labcorp
Classification: Likely benign for Gorlin syndrome; Medulloblastoma. Last evaluated: 2026-01-28. Review status: criteria provided, single submitter. Criteria: Invitae Variant Classification Sherloc (09022015). Collection method: clinical testing. Allele origin: germline.

Women's Health and Genetics/Laboratory Corporation of America, LabCorp
Classification: Likely benign. Last evaluated: 2025-11-13. Review status: criteria provided, single submitter. Criteria: LabCorp Variant Classification Summary - May 2015. Collection method: clinical testing. Allele origin: germline.
Comment: Variant summary: SUFU c.1084C>T (p.Arg362Cys) results in a non-conservative amino acid change in the encoded protein sequence. Algorithms developed to predict the effect of missense changes on protein structure and function are either unavailable or do not agree on the potential impact of this missense change. The variant allele was found at a frequency of 8.4e-05 in 251486 control chromosomes. The observed variant frequency exceeds the estimated maximal expected allele frequency for disease-causing variants in SUFU. To our knowledge, no occurrence of c.1084C>T in individuals affected with SUFU-related conditions and no experimental evidence demonstrating its impact on protein function have been reported. ClinVar contains an entry for this variant (Variation ID: 135284). Based on the evidence outlined above, the variant was classified as likely benign.

GeneDx
Classification: Uncertain significance. Last evaluated: 2025-04-20. Review status: criteria provided, single submitter. Criteria: GeneDx Variant Classification Process June 2021. Collection method: clinical testing. Allele origin: germline. Affected: yes.
Comment: In silico analysis supports that this missense variant has a deleterious effect on protein structure/function; Published functional studies demonstrate impaired binding of RUSC2 or Gli3 proteins compared to wild-type (PMID: 27633991); Observed in individuals with ependymoma, leukemia, or autism spectrum disorder (PMID: 26580448, 26934580); This variant is associated with the following publications: (PMID: 24728327, 27974047, 26934580, 26580448, 27633991)

Quest Diagnostics Nichols Institute San Juan Capistrano
Classification: Benign. Last evaluated: 2022-11-17. Review status: criteria provided, single submitter. Criteria: Quest Diagnostics criteria. Collection method: clinical testing. Allele origin: unknown.

Sema4
Classification: Uncertain significance for Hereditary cancer-predisposing syndrome. Last evaluated: 2021-05-28. Review status: criteria provided, single submitter. Criteria: Sema4 Curation Guidelines. Collection method: curation. Allele origin: germline.
Comment: To the best of our knowledge, the SUFU c.1084C>T (p.R362C) has not been reported in individuals with SUFU-related disease. It was observed in 29/24968 chromosomes in the African/African American subpopulation in the large and broad cohorts of the Genome Aggregation Database (PMID: 32461654). The variant has been reported in ClinVar (Variation ID: 135284). In silico tools suggest the impact of the variant on protein function is inconclusive, though these predictions have not been confirmed by functional studies. The evidence is insufficient to meet ACMG/AMP criteria for classifying the variant as benign or pathogenic. Thus, the clinical significance of this variant is currently uncertain.

Ambry Genetics
Classification: Likely benign for Hereditary cancer-predisposing syndrome. Last evaluated: 2020-11-13. Review status: criteria provided, single submitter. Criteria: Ambry Variant Classification Scheme 2023. Collection method: clinical testing. Allele origin: germline.

ITMI
No classification provided. Condition: AllHighlyPenetrant. Last evaluated: 2013-09-19. Review status: no classification provided. Collection method: reference population. Allele origin: germline. Not counted in ClinVar's aggregate classification.
Comment: Please see associated publication for description of ethnicities

Literature cited by the submitters: PubMed 24728327 (cited by Quest Diagnostics Nichols Institute San Juan Capistrano and ITMI); PubMed 27793025 (cited by Quest Diagnostics Nichols Institute San Juan Capistrano); PubMed 26580448 (cited by Ambry Genetics).

NM_016169.4(SUFU):c.1084C>T (p.Arg362Cys)

Gene: SUFU (SUFU negative regulator of hedgehog signaling; plus strand). Cytogenetic location: 10q24.32.
Variant type: single nucleotide variant.
Coding change: c.1084C>T on transcript NM_016169.4 (MANE Select); coding-DNA position 1084, C replaced by T.
Protein change: p.Arg362Cys; replaces arginine 362 with cysteine.
Molecular consequence: missense variant.
Genome position (GRCh38, 1-based): chr10:102,615,329, C>T. VCF-style: chr10-102615329-C-T. GRCh37 (hg19) VCF-style: chr10-104375086-C-T.
Other names: c.1084C>T, p.Arg362Cys (NM_001178133.2); short protein forms R362C.
Identifiers: ClinVar variation 135284 (VCV000135284.25), dbSNP rs36049457, ClinGen allele CA162219.